The following is an entry in ClinVar:

ClinVar aggregate classification (germline): Uncertain significance (1 of 4 stars; one submission).

Allele frequency attached by ClinVar (database versions not stated): TOPMed 0.00001; ExAC 0.00010; 1000 Genomes Project 30x 0.00016; 1000 Genomes Project 0.00020.
gnomAD v4.1: 65 of 1,603,446 alleles (0.0041%); highest among the groups gnomAD compares: South Asian, 0.07%; 1 homozygote.

Submission:

Labcorp Genetics (formerly Invitae), Labcorp
Classification: Uncertain significance. Last evaluated: 2021-11-28. Review status: criteria provided, single submitter. Criteria: Invitae Variant Classification Sherloc (09022015). Collection method: clinical testing. Allele origin: germline.
Comment: This sequence change replaces proline, which is neutral and non-polar, with serine, which is neutral and polar, at codon 373 of the FREM1 protein (p.Pro373Ser). This variant is present in population databases (rs550211318, gnomAD 0.06%). This variant has not been reported in the literature in individuals affected with FREM1-related conditions. Algorithms developed to predict the effect of missense changes on protein structure and function are either unavailable or do not agree on the potential impact of this missense change (SIFT: "Deleterious"; PolyPhen-2: "Possibly Damaging"; Align-GVGD: "Class C0"). In summary, the available evidence is currently insufficient to determine the role of this variant in disease. Therefore, it has been classified as a Variant of Uncertain Significance.

NM_001379081.2(FREM1):c.1117C>T (p.Pro373Ser)

Gene: FREM1 (FRAS1 related extracellular matrix 1; minus strand). Cytogenetic location: 9p22.3.
Variant type: single nucleotide variant.
Coding change: c.1117C>T on transcript NM_001379081.2 (MANE Select); coding-DNA position 1117, C replaced by T.
Protein change: p.Pro373Ser; replaces proline 373 with serine.
Molecular consequence: missense variant. On other transcripts: non-coding transcript variant (4).
Genome position (GRCh38, 1-based): chr9:14,851,319, G>A on the plus strand (C>T on the coding strand, the complement: FREM1 is on the minus strand). VCF-style: chr9-14851319-G-A. GRCh37 (hg19) VCF-style: chr9-14851317-G-A.
Other names: c.1144C>T, p.Pro382Ser (NM_001370060.1); c.1117C>T, p.Pro373Ser (NM_001370063.1, NM_001370065.1, NM_144966.7); short protein forms P373S, P382S.
Identifiers: ClinVar variation 2419056 (VCV002419056.6), dbSNP rs550211318, ClinGen allele CA4991366.